The following is an entry in ClinVar:

NM_001103.4(ACTN2):c.950A>G (p.Gln317Arg)

Gene: ACTN2 (actinin alpha 2; plus strand). Cytogenetic location: 1q43.
Variant type: single nucleotide variant.
Coding change: c.950A>G on transcript NM_001103.4 (MANE Select); coding-DNA position 950, A replaced by G.
Protein change: p.Gln317Arg; replaces glutamine 317 with arginine.
Molecular consequence: missense variant.
Genome position (GRCh38, 1-based): chr1:236,739,375, A>G. VCF-style: chr1-236739375-A-G. GRCh37 (hg19) VCF-style: chr1-236902675-A-G.
Other names: c.950A>G, p.Gln317Arg (NM_001278343.2); c.326A>G, p.Gln109Arg (NM_001278344.2); short protein forms Q109R, Q317R.
Identifiers: ClinVar variation 665815 (VCV000665815.9), dbSNP rs970567732, ClinGen allele CA39725705.
Genomic context (GRCh38, chr1:236,739,375, plus strand): 5'-TTCGTCGCACGATCCCCTGGCTGGAGAACCGGACTCCCGAGAAGACCATGCAAGCCATGC[A>G]GAAGAAGCTGGAGGACTTCCGGGATTACCGCCGGAAGCACAAGCCACCCAAGGTGCAGGA-3'
Protein context (NP_001094.1, residues 307-327): RTPEKTMQAM[Gln317Arg]KKLEDFRDYR

ClinVar aggregate classification (germline): Uncertain significance (1 of 4 stars; one submission).

Conditions:
Dilated cardiomyopathy 1AA (CMD1AA). Also called: Cardiomyopathy, dilated, 1AA, with or without LVNC; CARDIOMYOPATHY, DILATED, 1AA, WITH OR WITHOUT LEFT VENTRICULAR NONCOMPACTION; CARDIOMYOPATHY, FAMILIAL HYPERTROPHIC, 23, WITH OR WITHOUT LEFT VENTRICULAR NONCOMPACTION. Identifiers: Orphanet 154, MedGen C2677338, MONDO:0012808, OMIM 612158.
Primary familial hypertrophic cardiomyopathy (HCM). Identifiers: Orphanet 99739, MedGen C0949658, MeSH D024741, MONDO:0024573. Inheritance: Various modes of inheritance.

Allele frequency attached by ClinVar (database versions not stated): gnomAD exomes 0.00001.
gnomAD v4.1: 3 of 1,614,140 alleles (0.00019%); highest among the groups gnomAD compares: Admixed American, 0.0033%; no homozygotes.

Submission:

Labcorp Genetics (formerly Invitae), Labcorp
Classification: Uncertain significance for Primary familial hypertrophic cardiomyopathy; Dilated cardiomyopathy 1AA. Last evaluated: 2026-01-11. Review status: criteria provided, single submitter. Criteria: Invitae Variant Classification Sherloc (09022015). Collection method: clinical testing. Allele origin: germline.
Comment: This sequence change replaces glutamine, which is neutral and polar, with arginine, which is basic and polar, at codon 317 of the ACTN2 protein (p.Gln317Arg). This variant is present in population databases (no rsID available, gnomAD 0.006%). This variant has not been reported in the literature in individuals affected with ACTN2-related conditions. ClinVar contains an entry for this variant (Variation ID: 665815). Invitae Evidence Modeling of protein sequence and biophysical properties (such as structural, functional, and spatial information, amino acid conservation, physicochemical variation, residue mobility, and thermodynamic stability) indicates that this missense variant is not expected to disrupt ACTN2 protein function with a negative predictive value of 80%. In summary, the available evidence is currently insufficient to determine the role of this variant in disease. Therefore, it has been classified as a Variant of Uncertain Significance.